The following is an entry in ClinVar:

ClinVar aggregate classification (germline): Uncertain significance (1 of 4 stars; one submission).

gnomAD v4.1: 2 of 1,611,284 alleles (0.00012%); highest among the groups gnomAD compares: South Asian, 0.0011%; no homozygotes.

Submission:

Labcorp Genetics (formerly Invitae), Labcorp
Classification: Uncertain significance. Last evaluated: 2025-08-18. Review status: criteria provided, single submitter. Criteria: Invitae Variant Classification Sherloc (09022015). Collection method: clinical testing. Allele origin: germline.
Comment: This sequence change replaces alanine, which is neutral and non-polar, with valine, which is neutral and non-polar, at codon 444 of the RNF31 protein (p.Ala444Val). This variant is not present in population databases (gnomAD no frequency). This variant has not been reported in the literature in individuals affected with RNF31-related conditions. An algorithm developed to predict the effect of missense changes on protein structure and function outputs the following: PolyPhen-2: "Benign". The valine amino acid residue is found in multiple mammalian species, which suggests that this missense change does not adversely affect protein function. In summary, the available evidence is currently insufficient to determine the role of this variant in disease. Therefore, it has been classified as a Variant of Uncertain Significance.

NM_017999.5(RNF31):c.1331C>T (p.Ala444Val)

Gene: RNF31 (ring finger protein 31; plus strand). Cytogenetic location: 14q12.
Variant type: single nucleotide variant.
Coding change: c.1331C>T on transcript NM_017999.5 (MANE Select); coding-DNA position 1331, C replaced by T.
Protein change: p.Ala444Val; replaces alanine 444 with valine.
Molecular consequence: missense variant.
Genome position (GRCh38, 1-based): chr14:24,150,731, C>T. VCF-style: chr14-24150731-C-T. GRCh37 (hg19) VCF-style: chr14-24619940-C-T.
Other names: c.878C>T, p.Ala293Val (NM_001310332.2); short protein forms A293V, A444V.
Identifiers: ClinVar variation 4714806 (VCV004714806.1).